The following is an entry in ClinVar:

ClinVar aggregate classification (germline): Uncertain significance. Review status: criteria provided, multiple submitters, no conflicts (2 of 4 stars). 2 submissions from 2 submitters: Uncertain significance (2). Last evaluated 2026-03-13.

Conditions:
Developmental and epileptic encephalopathy, 11 (DEE11). Also called: Early infantile epileptic encephalopathy 11. Identifiers: Orphanet 1934, MedGen C3150987, MONDO:0013388, OMIM 613721.
Seizures, benign familial infantile, 3 (BFIS3). Also called: CONVULSIONS, BENIGN FAMILIAL INFANTILE, 3; Familial neonatal seizures. Identifiers: Orphanet 140927, Orphanet 306, MedGen C1843140, MONDO:0011904, OMIM 607745.

Allele frequency attached by ClinVar (database versions not stated): gnomAD exomes below 0.00001.
gnomAD v4.1: 2 of 1,613,912 alleles (0.00012%); highest among the groups gnomAD compares: Non-Finnish European, 0.00017%; no homozygotes.

Submissions (2):

GeneDx
Classification: Uncertain significance. Last evaluated: 2026-03-13. Review status: criteria provided, single submitter. Criteria: GeneDx Variant Classification Process June 2021. Collection method: clinical testing. Allele origin: germline.
Comment: Not observed at significant frequency in large population cohorts (gnomAD); In silico analysis supports that this missense variant has a deleterious effect on protein structure/function; Has not been previously published as pathogenic or benign to our knowledge; This substitution is predicted to be in the cytoplasmic loop between the first and second homologous domains

Labcorp Genetics (formerly Invitae), Labcorp
Classification: Uncertain significance for Seizures, benign familial infantile, 3; Developmental and epileptic encephalopathy, 11. Last evaluated: 2020-10-06. Review status: criteria provided, single submitter. Criteria: Invitae Variant Classification Sherloc (09022015). Collection method: clinical testing. Allele origin: germline.
Comment: In summary, the available evidence is currently insufficient to determine the role of this variant in disease. Therefore, it has been classified as a Variant of Uncertain Significance. This sequence change replaces serine with phenylalanine at codon 491 of the SCN2A protein (p.Ser491Phe). The serine residue is highly conserved and there is a large physicochemical difference between serine and phenylalanine. This variant is not present in population databases (ExAC no frequency). This variant has not been reported in the literature in individuals with SCN2A-related conditions. Algorithms developed to predict the effect of missense changes on protein structure and function are either unavailable or do not agree on the potential impact of this missense change (SIFT: "Deleterious"; PolyPhen-2: "Probably Damaging"; Align-GVGD: "Class C15").

NM_001040142.2(SCN2A):c.1472C>T (p.Ser491Phe)

Gene: SCN2A (sodium voltage-gated channel alpha subunit 2; plus strand). Cytogenetic location: 2q24.3.
Variant type: single nucleotide variant.
Coding change: c.1472C>T on transcript NM_001040142.2 (MANE Select); coding-DNA position 1472, C replaced by T.
Protein change: p.Ser491Phe; replaces serine 491 with phenylalanine.
Molecular consequence: missense variant.
Genome position (GRCh38, 1-based): chr2:165,315,559, C>T. VCF-style: chr2-165315559-C-T. GRCh37 (hg19) VCF-style: chr2-166172069-C-T.
Other names: c.1472C>T (NM_021007.2); c.1472C>T, p.Ser491Phe (NM_001040143.2, NM_001371246.1, NM_001371247.1 and 1 more transcripts); short protein forms S491F.
Identifiers: ClinVar variation 1007518 (VCV001007518.10), dbSNP rs1697697928, ClinGen allele CA349022993.